The following is an entry in ClinVar:

NM_001004738.2(OR5L1):c.494G>T (p.Arg165Met)

Gene: OR5L1 (olfactory receptor family 5 subfamily L member 1; plus strand). Cytogenetic location: 11q12.1.
Variant type: single nucleotide variant.
Coding change: c.494G>T on transcript NM_001004738.2 (MANE Select); coding-DNA position 494, G replaced by T.
Protein change: p.Arg165Met; replaces arginine 165 with methionine.
Molecular consequence: missense variant.
Genome position (GRCh38, 1-based): chr11:55,811,960, G>T. VCF-style: chr11-55811960-G-T. GRCh37 (hg19) VCF-style: chr11-55579436-G-T.
Other names: short protein forms R165M.
Identifiers: ClinVar variation 161482 (VCV000161482.2), dbSNP rs193921144, ClinGen allele CA174116.

ClinVar aggregate classification (germline): Uncertain significance (0 of 4 stars; one submission).

Conditions:
Prostate cancer. Also called: Malignant tumor of prostate. Identifiers: Orphanet 1331, MedGen C0376358, MONDO:0008315, HP:0012125.

Submission:

Science for Life laboratory,  Karolinska Institutet
Classification: Uncertain significance for Malignant tumor of prostate. Review status: no assertion criteria provided. Collection method: not provided. Allele origin: somatic.
Comment: TumorID:SWE-92C
ClinVar note: Converted during submission from Unknown to Uncertain significance.